The following is an entry in ClinVar:

NM_031885.5(BBS2):c.2059G>C (p.Val687Leu)

Gene: BBS2 (Bardet-Biedl syndrome 2; minus strand). Cytogenetic location: 16q13.
Variant type: single nucleotide variant.
Coding change: c.2059G>C on transcript NM_031885.5 (MANE Select); coding-DNA position 2059, G replaced by C.
Protein change: p.Val687Leu; replaces valine 687 with leucine.
Molecular consequence: missense variant. On other transcripts: non-coding transcript variant (5).
Genome position (GRCh38, 1-based): chr16:56,485,590, C>G on the plus strand (G>C on the coding strand, the complement: BBS2 is on the minus strand). VCF-style: chr16-56485590-C-G. GRCh37 (hg19) VCF-style: chr16-56519502-C-G.
Other names: c.2059G>C, p.Val687Leu (NM_001377456.1); short protein forms V687L.
Identifiers: ClinVar variation 1515588 (VCV001515588.5), dbSNP rs754067097, ClinGen allele CA8065548.

ClinVar aggregate classification (germline): Uncertain significance (1 of 4 stars; one submission).

Conditions:
Bardet-Biedl syndrome (BBS). Identifiers: Orphanet 110, MedGen C0752166, MONDO:0015229.

gnomAD v4.1: 11 of 1,614,054 alleles (0.00068%); highest among the groups gnomAD compares: South Asian, 0.0099%; no homozygotes.

Submission:

Labcorp Genetics (formerly Invitae), Labcorp
Classification: Uncertain significance for Bardet-Biedl syndrome. Last evaluated: 2022-03-10. Review status: criteria provided, single submitter. Criteria: Invitae Variant Classification Sherloc (09022015). Collection method: clinical testing. Allele origin: germline.
Comment: This sequence change replaces valine, which is neutral and non-polar, with leucine, which is neutral and non-polar, at codon 687 of the BBS2 protein (p.Val687Leu). This variant also falls at the last nucleotide of exon 16, which is part of the consensus splice site for this exon. This variant is present in population databases (rs754067097, gnomAD 0.01%). This variant has not been reported in the literature in individuals affected with BBS2-related conditions. Algorithms developed to predict the effect of missense changes on protein structure and function are either unavailable or do not agree on the potential impact of this missense change (SIFT: "Tolerated"; PolyPhen-2: "Possibly Damaging"; Align-GVGD: "Class C0"). Variants that disrupt the consensus splice site are a relatively common cause of aberrant splicing (PMID: 17576681, 9536098). Algorithms developed to predict the effect of sequence changes on RNA splicing suggest that this variant may disrupt the consensus splice site. In summary, the available evidence is currently insufficient to determine the role of this variant in disease. Therefore, it has been classified as a Variant of Uncertain Significance.

Literature cited by the submitters: PubMed 17576681; PubMed 9536098.